The following is an entry in ClinVar:

ClinVar aggregate classification (germline): Benign/Likely benign. Review status: criteria provided, multiple submitters, no conflicts (2 of 4 stars). 5 submissions from 5 submitters: Benign (1); Likely benign (4). Last evaluated 2026-03-01.

Allele frequency attached by ClinVar (database versions not stated): ExAC 0.00016; 1000 Genomes Project 0.00040; ESP Exome Variant Server 0.00044; gnomAD 0.00065 and 0.00068; gnomAD exomes 0.00044; 1000 Genomes Project 30x 0.00062; TOPMed 0.00062.
gnomAD v4.1: 943 of 1,550,318 alleles (0.061%); highest among the groups gnomAD compares: Admixed American, 0.13%; 1 homozygote.

Submissions (5):

CeGaT Center for Human Genetics Tuebingen
Classification: Likely benign. Last evaluated: 2026-03-01. Review status: criteria provided, single submitter. Criteria: CeGaT Center For Human Genetics Tuebingen Variant Classification Criteria Version 2. Collection method: clinical testing. Allele origin: germline. Affected: yes. Observed: 2 variant alleles.
Comment: PIEZO1: BP4, BP7

Laboratory of Genetics, Children's Clinical University Hospital Latvia
Classification: Likely benign. Last evaluated: 2025-02-16. Review status: criteria provided, single submitter. Criteria: ACMG Guidelines, 2015. Collection method: clinical testing. Allele origin: germline. Affected: yes.

Labcorp Genetics (formerly Invitae), Labcorp
Classification: Likely benign. Last evaluated: 2024-12-19. Review status: criteria provided, single submitter. Criteria: Invitae Variant Classification Sherloc (09022015). Collection method: clinical testing. Allele origin: germline.

Blueprint Genetics
Classification: Likely benign. Last evaluated: 2024-11-21. Review status: criteria provided, single submitter. Criteria: ACMG Guidelines, 2015. Collection method: clinical testing. Allele origin: germline.

ARUP Laboratories, Molecular Genetics and Genomics, ARUP Laboratories
Classification: Benign. Last evaluated: 2024-01-02. Review status: criteria provided, single submitter. Criteria: ARUP Molecular Germline Variant Investigation Process 2024. Collection method: clinical testing. Allele origin: germline.

NM_001142864.4(PIEZO1):c.3597C>T (p.Phe1199=)

Gene: PIEZO1 (piezo type mechanosensitive ion channel component 1 (Er blood group); minus strand). Cytogenetic location: 16q24.3.
Variant type: single nucleotide variant.
Coding change: c.3597C>T on transcript NM_001142864.4 (MANE Select); coding-DNA position 3597, C replaced by T.
Protein change: p.Phe1199=; no amino-acid change (phenylalanine 1199 retained).
Molecular consequence: synonymous variant.
Genome position (GRCh38, 1-based): chr16:88,726,817, G>A on the plus strand (C>T on the coding strand, the complement: PIEZO1 is on the minus strand). VCF-style: chr16-88726817-G-A. GRCh37 (hg19) VCF-style: chr16-88793225-G-A.
Identifiers: ClinVar variation 713481 (VCV000713481.34), dbSNP rs370654806, ClinGen allele CA8232447.